The following is an entry in ClinVar:

ClinVar aggregate classification (germline): Likely benign. Review status: criteria provided, single submitter (1 of 4 stars). 2 submissions from 2 submitters: Likely benign (1). 1 of the submissions does not count toward it. Last evaluated 2022-10-01.

Conditions:
PIK3C2B-related disorder. Also called: PIK3C2B-related condition.

Allele frequency attached by ClinVar (database versions not stated): 1000 Genomes Project 0.00120; 1000 Genomes Project 30x 0.00125; TOPMed 0.00222; gnomAD 0.00250; ExAC 0.00303; ESP Exome Variant Server 0.00331; gnomAD exomes 0.00386.
gnomAD v4.1: 5,924 of 1,613,806 alleles (0.37%); highest among the groups gnomAD compares: Non-Finnish European, 0.47%; 14 homozygotes.

Submissions (2):

CeGaT Center for Human Genetics Tuebingen
Classification: Likely benign. Last evaluated: 2022-10-01. Review status: criteria provided, single submitter. Criteria: CeGaT Center For Human Genetics Tuebingen Variant Classification Criteria Version 2. Collection method: clinical testing. Allele origin: germline. Affected: yes. Observed: 1 variant allele.
Comment: PIK3C2B: BP4, BP7

PreventionGenetics, part of Exact Sciences
Classification: Likely benign for PIK3C2B-related condition. Last evaluated: 2019-03-08. Review status: no assertion criteria provided. Collection method: clinical testing. Allele origin: germline. Not counted in ClinVar's aggregate classification.
Comment: This variant is classified as likely benign based on ACMG/AMP sequence variant interpretation guidelines (Richards et al. 2015 PMID: 25741868, with internal and published modifications).

NM_001377334.1(PIK3C2B):c.1344A>G (p.Gln448=)

Gene: PIK3C2B (phosphatidylinositol-4-phosphate 3-kinase catalytic subunit type 2 beta; minus strand). Cytogenetic location: 1q32.1.
Variant type: single nucleotide variant.
Coding change: c.1344A>G on transcript NM_001377334.1 (MANE Select); coding-DNA position 1344, A replaced by G.
Protein change: p.Gln448=; no amino-acid change (glutamine 448 retained).
Molecular consequence: synonymous variant.
Genome position (GRCh38, 1-based): chr1:204,460,628, T>C on the plus strand (A>G on the coding strand, the complement: PIK3C2B is on the minus strand). VCF-style: chr1-204460628-T-C. GRCh37 (hg19) VCF-style: chr1-204429756-T-C.
Other names: c.1344A>G (NM_002646.3); c.1344A>G, p.Gln448= (NM_001377335.1, NM_002646.4).
Identifiers: ClinVar variation 2639829 (VCV002639829.25), dbSNP rs61740681, ClinGen allele CA1348024.